The following is an entry in ClinVar:

NM_018077.3(RBM28):c.1945G>A (p.Gly649Arg)

Gene: RBM28 (RNA binding motif protein 28; minus strand). Cytogenetic location: 7q32.1.
Variant type: single nucleotide variant.
Coding change: c.1945G>A on transcript NM_018077.3 (MANE Select); coding-DNA position 1945, G replaced by A.
Protein change: p.Gly649Arg; replaces glycine 649 with arginine.
Molecular consequence: missense variant.
Genome position (GRCh38, 1-based): chr7:128,314,864, C>T on the plus strand (G>A on the coding strand, the complement: RBM28 is on the minus strand). VCF-style: chr7-128314864-C-T. GRCh37 (hg19) VCF-style: chr7-127954917-C-T.
Other names: c.1522G>A, p.Gly508Arg (NM_001166135.2); short protein forms G508R, G649R.
Identifiers: ClinVar variation 4689125 (VCV004689125.1).
Genomic context (GRCh38, chr7:128,314,864, plus strand): 5'-TTCTTCTCTTCTTTCCATCAGGCAGCTCCACCTGCTCCACTTCAGCCTTGGTCTGGAACC[C>T]GGTCCATGAGGTAGAGCCCGCCTTTCTCTTCTGCTCTGGGGGCACCTTGCTTTGTTCCTC-3'
Protein context (NP_060547.2, residues 639-659): KRKAGSTSWT[Gly649Arg]FQTKAEVEQV

ClinVar aggregate classification (germline): Uncertain significance (1 of 4 stars; one submission).

gnomAD v4.1: 49 of 1,614,054 alleles (0.003%); highest among the groups gnomAD compares: South Asian, 0.051%; no homozygotes.

Submission:

Women's Health and Genetics/Laboratory Corporation of America, LabCorp
Classification: Uncertain significance. Last evaluated: 2026-01-28. Review status: criteria provided, single submitter. Criteria: LabCorp Variant Classification Summary - May 2015. Collection method: clinical testing. Allele origin: germline.
Comment: Variant summary: RBM28 c.1945G>A (p.Gly649Arg) results in a non-conservative amino acid change in the encoded protein sequence. Algorithms developed to predict the effect of missense changes on protein structure and function are either unavailable or do not agree on the potential impact of this missense change. The variant allele was found at a frequency of 4.4e-05 in 251400 control chromosomes. This frequency is not significantly higher than estimated for disease-causing variants in RBM28, allowing no conclusion about variant significance. To our knowledge, no occurrence of c.1945G>A in individuals affected with RBM28-related conditions and no experimental evidence demonstrating its impact on protein function have been reported. No submitters have cited clinical-significance assessments for this variant to ClinVar. Based on the evidence outlined above, the variant was classified as uncertain significance.